The following is an entry in ClinVar:

NM_001203.3(BMPR1B):c.739A>G (p.Ile247Val)

Gene: BMPR1B (bone morphogenetic protein receptor type 1B; plus strand). Cytogenetic location: 4q22.3.
Variant type: single nucleotide variant.
Coding change: c.739A>G on transcript NM_001203.3 (MANE Select); coding-DNA position 739, A replaced by G.
Protein change: p.Ile247Val; replaces isoleucine 247 with valine.
Molecular consequence: missense variant.
Genome position (GRCh38, 1-based): chr4:95,130,015, A>G. VCF-style: chr4-95130015-A-G. GRCh37 (hg19) VCF-style: chr4-96051166-A-G.
Other names: c.739A>G, p.Ile247Val (NM_001256792.2, NM_001256794.1); c.829A>G, p.Ile277Val (NM_001256793.2); short protein forms I247V, I277V.
Identifiers: ClinVar variation 3752713 (VCV003752713.2).

ClinVar aggregate classification (germline): Uncertain significance (1 of 4 stars; one submission).

Conditions:
Acromesomelic dysplasia 3 (AMD3). Also called: CHONDRODYSPLASIA, ACROMESOMELIC, WITH OR WITHOUT GENITAL ANOMALIES; Acromesomelic dysplasia, Demirhan type. Identifiers: MedGen C4225404, MONDO:0012274, OMIM 609441.
Type A2 brachydactyly (BDA2). Also called: BRACHYMESOPHALANGY II; MOHR-WRIEDT TYPE BRACHYDACTYLY; Brachymesophalangy type 2. Identifiers: Orphanet 93396, MedGen C1832702, MONDO:0007216, OMIM 112600, HP:0009372.

Submission:

Labcorp Genetics (formerly Invitae), Labcorp
Classification: Uncertain significance for Type A2 brachydactyly; Acromesomelic dysplasia 3. Last evaluated: 2025-12-08. Review status: criteria provided, single submitter. Criteria: Invitae Variant Classification Sherloc (09022015). Collection method: clinical testing. Allele origin: germline.
Comment: This sequence change replaces isoleucine, which is neutral and non-polar, with valine, which is neutral and non-polar, at codon 247 of the BMPR1B protein (p.Ile247Val). This variant is not present in population databases (gnomAD no frequency). This variant has not been reported in the literature in individuals affected with BMPR1B-related conditions. ClinVar contains an entry for this variant (Variation ID: 3752713). Invitae Evidence Modeling of protein sequence and biophysical properties (such as structural, functional, and spatial information, amino acid conservation, physicochemical variation, residue mobility, and thermodynamic stability) indicates that this missense variant is not expected to disrupt BMPR1B protein function with a negative predictive value of 80%. In summary, the available evidence is currently insufficient to determine the role of this variant in disease. Therefore, it has been classified as a Variant of Uncertain Significance.